The following is an entry in ClinVar:

ClinVar aggregate classification (germline): Uncertain significance (1 of 4 stars; one submission).

Conditions:
Developmental delay with autism spectrum disorder and gait instability (MRT38). Also called: Intellectual developmental disorder, autosomal recessive 38. Identifiers: Orphanet 329195, MedGen C3809753, MONDO:0014224, OMIM 615516.

gnomAD v4.1: 2 of 1,613,906 alleles (0.00012%); highest among the groups gnomAD compares: Non-Finnish European, 0.00017%; no homozygotes.

Submission:

Dasa
Classification: Uncertain significance for Developmental delay with autism spectrum disorder and gait instability. Last evaluated: 2025-08-20. Review status: criteria provided, single submitter. Criteria: DASA Assertion Criteria. Collection method: clinical testing. Allele origin: germline.
Comment: NM_004667.6(HERC2):c.1217C>G (p.Pro406Arg) is a missense variant that results in the substitution of proline with arginine. This variant is rare in population databases. The currently available literature and clinical evidence are not sufficient to establish a definitive association between this variant and the reported condition. Therefore, this variant is classified as a variant of uncertain significance.

NM_004667.6(HERC2):c.1217C>G (p.Pro406Arg)

Gene: HERC2 (HECT and RLD domain containing E3 ubiquitin protein ligase 2; minus strand). Cytogenetic location: 15q13.1.
Variant type: single nucleotide variant.
Coding change: c.1217C>G on transcript NM_004667.6 (MANE Select); coding-DNA position 1217, C replaced by G.
Protein change: p.Pro406Arg; replaces proline 406 with arginine.
Molecular consequence: missense variant.
Genome position (GRCh38, 1-based): chr15:28,270,735, G>C on the plus strand (C>G on the coding strand, the complement: HERC2 is on the minus strand). VCF-style: chr15-28270735-G-C. GRCh37 (hg19) VCF-style: chr15-28515881-G-C.
Other names: short protein forms P406R.
Identifiers: ClinVar variation 4883065 (VCV004883065.2).